The following is an entry in ClinVar:

ClinVar aggregate classification (germline): Likely pathogenic (1 of 4 stars; one submission).

Conditions:
Charcot-Marie-Tooth disease, type I (CMT1). Also called: Charcot-Marie-Tooth, Type 1; Charcot-Marie-Tooth disease type 1. Identifiers: Orphanet 65753, MedGen C0751036, MONDO:0019011.

Submission:

Labcorp Genetics (formerly Invitae), Labcorp
Classification: Likely pathogenic for Charcot-Marie-Tooth disease, type I. Last evaluated: 2024-12-02. Review status: criteria provided, single submitter. Criteria: Invitae Variant Classification Sherloc (09022015). Collection method: clinical testing. Allele origin: germline.
Comment: This sequence change affects a splice site in intron 2 of the PMP22 gene. It is expected to disrupt RNA splicing. Variants that disrupt the donor or acceptor splice site typically lead to a loss of protein function (PMID: 16199547), and loss-of-function variants in PMP22 are known to be pathogenic (PMID: 23224996). This variant is not present in population databases (gnomAD no frequency). This variant has not been reported in the literature in individuals affected with PMP22-related conditions. ClinVar contains an entry for this variant (Variation ID: 2001064). Algorithms developed to predict the effect of sequence changes on RNA splicing suggest that this variant may disrupt the consensus splice site. In summary, the currently available evidence indicates that the variant is pathogenic, but additional data are needed to prove that conclusively. Therefore, this variant has been classified as Likely Pathogenic.

Literature cited by the submitters: PubMed 16199547; PubMed 23224996.

NM_000304.4(PMP22):c.78+2del

Gene: PMP22 (peripheral myelin protein 22; minus strand). Cytogenetic location: 17p12.
Variant type: Deletion.
Coding change: c.78+2del on transcript NM_000304.4 (MANE Select); the canonical splice donor site of the intron after coding-DNA position 78, one base deleted (T; older notation c.78+2delT).
Molecular consequence: splice donor variant.
Genome position (GRCh38, 1-based): chr17:15,260,648, A deleted on the plus strand (T on the coding strand, the reverse complement: PMP22 is on the minus strand). VCF-style (leftmost placement, unchanged base first): chr17-15260647-CA-C. GRCh37 (hg19) VCF-style: chr17-15163964-CA-C.
Other names: c.78+2del (NM_153322.3, NM_001330143.2, NM_001281456.2 and 2 more transcripts).
Identifiers: ClinVar variation 2001064 (VCV002001064.4), dbSNP rs2508226636, ClinGen allele CA2580092584.